The following is an entry in ClinVar:

ClinVar aggregate classification (germline): Pathogenic (1 of 4 stars; one submission).

Conditions:
Neuronal ceroid lipofuscinosis 7 (CLN7). Also called: MFSD8-Related Neuronal Ceroid-Lipofuscinosis. Identifiers: Orphanet 168491, Orphanet 228366, MedGen C1838571, MONDO:0012588, OMIM 610951.

Submission:

Diagnostics Services (NGS), CSIR - Centre For Cellular And Molecular Biology
Classification: Pathogenic for Neuronal ceroid lipofuscinosis 7. Last evaluated: 2022-09-19. Review status: criteria provided, single submitter. Criteria: ACMG Guidelines, 2015. Collection method: clinical testing. Allele origin: unknown. Affected: yes. Observed: 1 variant allele, 1 homozygote.
Comment: The c.742_746del variant is not present in publicly available population databases like 1000 Genomes, EVS, ExAC, gnomAD, Indian Exome Database or our in-house exome database. The variant has neither been published nor reported to ClinVar, OMIM or HGMD, in any affected individuals. In silico pathogenicity prediction softwares like MutationTaster2, CADD, Varsome, Franklin etc. predicted this variant to be likely deleterious. The variant creates a premature stop signal at the 248th amino acid position of the transcript, which either leads to a truncated protein or causes nonsense mediated decay of the mRNA.

NM_001371596.2(MFSD8):c.742_746del (p.Ile247_Asn248insTer)

Gene: MFSD8 (major facilitator superfamily domain containing 8; minus strand). Cytogenetic location: 4q28.2.
Variant type: Deletion.
Coding change: c.742_746del on transcript NM_001371596.2 (MANE Select); coding-DNA positions 742 to 746, 5 bases deleted (AATTT; older notation c.742_746delAATTT).
Protein change: p.Ile247_Asn248insTer.
Molecular consequence: nonsense. On other transcripts: intron variant (3).
Genome position (GRCh38, 1-based): chr4:127,938,791-127,938,795, AAATT deleted on the plus strand (AATTT on the coding strand, the reverse complement: MFSD8 is on the minus strand); deleting any 5 consecutive bases within chr4:127,938,791-127,938,797 gives the same sequence; the c. name uses the placement nearest the transcript's 3' end. VCF-style (leftmost placement, unchanged base first): chr4-127938790-AAAATT-A. GRCh37 (hg19) VCF-style: chr4-128859945-AAAATT-A.
Other names: c.607_611del, p.Ile202_Asn203insTer (NM_001371590.2); c.742_746del, p.Ile247_Asn248insTer (NM_001371591.2, NM_152778.4); c.748_752del, p.Ile249_Asn250insTer (NM_001371592.2); c.628_632del, p.Ile209_Asn210insTer (NM_001371593.2, NM_001410766.1); c.595_599del, p.Ile198_Asn199insTer (NM_001371594.2); c.460_464del, p.Ile153_Asn154insTer (NM_001371595.1); c.304+4957_304+4961del (NM_001410765.1); c.439+4957_439+4961del (NM_001363521.3); and 1 more.
Identifiers: ClinVar variation 1802252 (VCV001802252.3), dbSNP rs2546127049, ClinGen allele CA2580071508.